The following is an entry in ClinVar:

ClinVar aggregate classification (germline): Likely benign (1 of 4 stars; one submission).

Allele frequency attached by ClinVar (database versions not stated): ExAC 0.00002; gnomAD exomes 0.00002; TOPMed 0.00008; gnomAD 0.00009; 1000 Genomes Project 30x 0.00016; 1000 Genomes Project 0.00020.
gnomAD v4.1: 35 of 1,613,992 alleles (0.0022%); highest among the groups gnomAD compares: African/African-American, 0.028%; no homozygotes.

Submission:

CeGaT Center for Human Genetics Tuebingen
Classification: Likely benign. Last evaluated: 2024-02-01. Review status: criteria provided, single submitter. Criteria: CeGaT Center For Human Genetics Tuebingen Variant Classification Criteria Version 2. Collection method: clinical testing. Allele origin: germline. Affected: yes. Observed: 1 variant allele.
Comment: DNAH17: BP4, BP7

NM_173628.4(DNAH17):c.4518C>T (p.Ser1506=)

Genes: DNAH17 (dynein axonemal heavy chain 17; minus strand), LOC126862654 (MED14-independent group 3 enhancer GRCh37_chr17:76502868-76504067; plus strand). Cytogenetic location: 17q25.3.
Variant type: single nucleotide variant.
Coding change: c.4518C>T on transcript NM_173628.4 (MANE Select); coding-DNA position 4518, C replaced by T.
Protein change: p.Ser1506=; no amino-acid change (serine 1506 retained).
Molecular consequence: synonymous variant.
Genome position (GRCh38, 1-based): chr17:78,507,524, G>A on the plus strand (C>T on the coding strand, the complement: DNAH17 is on the minus strand). VCF-style: chr17-78507524-G-A. GRCh37 (hg19) VCF-style: chr17-76503606-G-A.
Identifiers: ClinVar variation 3026197 (VCV003026197.22), dbSNP rs536643419, ClinGen allele CA8803747.